The following is an entry in ClinVar:

ClinVar aggregate classification (germline): Pathogenic (1 of 4 stars; one submission).

Conditions:
Proteinuria, low molecular weight, with hypercalciuria and nephrocalcinosis. Identifiers: Orphanet 1652, Orphanet 93622, MedGen C1839874, MONDO:0010644, OMIM 308990.

Submission:

Johns Hopkins Genomics, Johns Hopkins University
Classification: Pathogenic for Proteinuria, low molecular weight, with hypercalciuria and nephrocalcinosis. Last evaluated: 2020-03-13. Review status: criteria provided, single submitter. Criteria: ACMG Guidelines, 2015. Collection method: clinical testing. Allele origin: germline.
Comment: This CLCN5 variant is absent from a large population dataset and has not been reported in the literature, to our knowledge. This nonsense variant results in a premature stop codon in exon 3 of 12 likely leading to nonsense-mediated decay and lack of protein production. Due to the fact that female carriers have been reported to have low-molecular weight proteinuria, consistent with the clinical findings in this patient, we consider this variant to be pathogenic.

NM_001127898.4(CLCN5):c.334G>T (p.Glu112Ter)

Gene: CLCN5 (chloride voltage-gated channel 5; plus strand). Cytogenetic location: Xp11.23.
Variant type: single nucleotide variant.
Coding change: c.334G>T on transcript NM_001127898.4 (MANE Select); coding-DNA position 334, G replaced by T.
Protein change: p.Glu112Ter; replaces glutamic acid 112 with a stop codon.
Molecular consequence: nonsense.
Genome position (GRCh38, 1-based): chrX:50,072,507, G>T. VCF-style: chrX-50072507-G-T. GRCh37 (hg19) VCF-style: chrX-49837162-G-T.
Other names: c.124G>T, p.Glu42Ter (NM_000084.5); c.334G>T, p.Glu112Ter (NM_001127899.4); c.184G>T, p.Glu62Ter (NM_001282163.2); short protein forms E112*, E42*, E62*.
Identifiers: ClinVar variation 973873 (VCV000973873.1), dbSNP rs1933255436, ClinGen allele CA413182244.
Genomic context (GRCh38, chrX:50,072,507, plus strand): 5'-GGTGTGTGTAGAGTGTACCAATGTTTTCTCATTTTCCCCTAGATTACCAATAAAAGCAAA[G>T]AGTCAACATGGGCCTTAATTCACAGTGTGAGTGATGCTTTTTCCGGCTGGTTGTTGATGC-3'